The following is an entry in ClinVar:

NM_002764.4(PRPS1):c.865-3T>C

Gene: PRPS1 (phosphoribosyl pyrophosphate synthetase 1; plus strand). Cytogenetic location: Xq22.3.
Variant type: single nucleotide variant.
Coding change: c.865-3T>C on transcript NM_002764.4 (MANE Select); 3 bases into the intron before coding-DNA position 865, T replaced by C.
Molecular consequence: intron variant.
Genome position (GRCh38, 1-based): chrX:107,649,937, T>C. VCF-style: chrX-107649937-T-C. GRCh37 (hg19) VCF-style: chrX-106893167-T-C.
Other names: c.253-3T>C (NM_001204402.2).
Identifiers: ClinVar variation 4535850 (VCV004535850.1).
Genomic context (GRCh38, chrX:107,649,937, plus strand): 5'-GCAAATTGGCCAGTCATCTCTGACCATATGATAGTAACCTGATTTCCTTTCTTGCCTTTC[T>C]AGGTGATTGACATCTCTATGATCCTTGCAGAAGCCATCAGGAGAACTCACAATGGAGAAT-3'

ClinVar aggregate classification (germline): Uncertain significance (1 of 4 stars; one submission).

Submission:

Women's Health and Genetics/Laboratory Corporation of America, LabCorp
Classification: Uncertain significance. Last evaluated: 2025-09-03. Review status: criteria provided, single submitter. Criteria: LabCorp Variant Classification Summary - May 2015. Collection method: clinical testing. Allele origin: germline.
Comment: Variant summary: PRPS1 c.865-3T>C alters a conserved nucleotide located close to a canonical splice site and therefore could affect mRNA splicing, leading to a significantly altered protein sequence. Consensus agreement among computation tools predict no significant impact on normal splicing. However, these predictions have yet to be confirmed by functional studies. The variant was absent in 183061 control chromosomes. The available data on variant occurrences in the general population are insufficient to allow any conclusion about variant significance. To our knowledge, no occurrence of c.865-3T>C in individuals affected with PRPS1-related conditions and no experimental evidence demonstrating its impact on protein function have been reported. No submitters have cited clinical-significance assessments for this variant to ClinVar. Based on the evidence outlined above, the variant was classified as uncertain significance.